The following is an entry in ClinVar:

NM_144670.6(A2ML1):c.2849G>A (p.Gly950Glu)

Gene: A2ML1 (alpha-2-macroglobulin like 1; plus strand). Cytogenetic location: 12p13.31.
Variant type: single nucleotide variant.
Coding change: c.2849G>A on transcript NM_144670.6 (MANE Select); coding-DNA position 2849, G replaced by A.
Protein change: p.Gly950Glu; replaces glycine 950 with glutamic acid.
Molecular consequence: missense variant.
Genome position (GRCh38, 1-based): chr12:8,857,164, G>A. VCF-style: chr12-8857164-G-A. GRCh37 (hg19) VCF-style: chr12-9009760-G-A.
Other names: c.1376G>A, p.Gly459Glu (NM_001282424.3); short protein forms G950E, G459E.
Identifiers: ClinVar variation 79262 (VCV000079262.2), dbSNP rs267603716, ClinGen allele CA232695367.

ClinVar aggregate classification (germline): Uncertain significance (1 of 4 stars; one submission).

Submission:

GeneDx
Classification: Uncertain significance. Last evaluated: 2018-05-28. Review status: criteria provided, single submitter. Criteria: GeneDx Variant Classification (06012015). Collection method: clinical testing. Allele origin: germline. Affected: yes.
Comment: A variant of uncertain significance has been identified in the A2ML1 gene. The G950E variant has not been published as a pathogenic variant, nor has it been reported as a benign variant to our knowledge. The G950E variant is not observed in large population cohorts (Lek et al., 2016). The G950E variant is a non-conservative amino acid substitution, which is likely to impact secondary protein structure as these residues differ in polarity, charge, size and/or other properties. In-silico analyses, including protein predictors and evolutionary conservation, support a deleterious effect. Based on the currently available information, it is unclear whether this variant is a pathogenic variant or a rare benign variant.